The following is an entry in ClinVar:

ClinVar aggregate classification (germline): Likely benign (1 of 4 stars; one submission).

Conditions:
SPTAN1-related disorder. Also called: SPTAN1-related disorders; SPTAN1-related condition.

gnomAD v4.1: 10 of 1,614,128 alleles (0.00062%); highest among the groups gnomAD compares: Non-Finnish European, 0.00085%; no homozygotes.

Submission:

PreventionGenetics, part of Exact Sciences
Classification: Likely benign for SPTAN1-related condition. Last evaluated: 2024-11-09. Review status: criteria provided, single submitter. Criteria: ACMG Guidelines, 2015. Collection method: clinical testing. Allele origin: germline.
Comment: This variant is classified as likely benign based on ACMG/AMP sequence variant interpretation guidelines (Richards et al. 2015 PMID: 25741868, with internal and published modifications).

NM_001130438.3(SPTAN1):c.4402T>C (p.Leu1468=)

Gene: SPTAN1 (spectrin alpha, non-erythrocytic 1; plus strand). Cytogenetic location: 9q34.11.
Variant type: single nucleotide variant.
Coding change: c.4402T>C on transcript NM_001130438.3 (MANE Select); coding-DNA position 4402, T replaced by C.
Protein change: p.Leu1468=; no amino-acid change (leucine 1468 retained).
Molecular consequence: synonymous variant.
Genome position (GRCh38, 1-based): chr9:128,608,187, T>C. VCF-style: chr9-128608187-T-C. GRCh37 (hg19) VCF-style: chr9-131370466-T-C.
Other names: c.4342T>C, p.Leu1448= (NM_001195532.2, NM_001363765.2, NM_001375314.2 and 3 more transcripts); c.4402T>C, p.Leu1468= (NM_001363759.2, NM_001375310.1, NM_001375311.2 and 4 more transcripts); c.4438T>C, p.Leu1480= (NM_001375312.2, NM_001375318.1, NM_001438440.1).
Identifiers: ClinVar variation 4985523 (VCV004985523.1).